The following is an entry in ClinVar:

ClinVar aggregate classification (germline): Likely pathogenic (1 of 4 stars; one submission).

Conditions:
Hereditary cancer-predisposing syndrome. Also called: Neoplastic Syndromes, Hereditary; Tumor predisposition; Hereditary neoplastic syndrome; Hereditary Cancer Syndrome. Identifiers: Orphanet 140162, MedGen C0027672, MeSH D009386, MONDO:0015356.
Cardiovascular phenotype. Identifiers: MedGen CN230736.

Submission:

Ambry Genetics
Classification: Likely pathogenic for Cardiovascular phenotype; Hereditary cancer-predisposing syndrome. Last evaluated: 2018-04-16. Review status: criteria provided, single submitter. Criteria: Ambry Variant Classification Scheme 2023. Collection method: clinical testing. Allele origin: germline.
Comment: The c.8051-1G>C intronic variant results from a G to C substitution one nucleotide upstream from coding exon 55 of the NF1 gene. This nucleotide position is highly conserved in available vertebrate species. Using the BDGP and ESEfinder splice site prediction tools, this alteration is predicted to abolish the native splice acceptor site; however, direct evidence is unavailable. Alterations that disrupt the canonical splice site are expected to cause aberrant splicing, resulting in an abnormal protein or a transcript that is subject to nonsense-mediated mRNA decay. As such, this alteration is classified as likely pathogenic.

NM_001042492.3(NF1):c.8114-1G>C

Gene: NF1 (neurofibromin 1; plus strand). Cytogenetic location: 17q11.2.
Variant type: single nucleotide variant.
Coding change: c.8114-1G>C on transcript NM_001042492.3 (MANE Select); the canonical splice acceptor site of the intron before coding-DNA position 8114, G replaced by C.
Molecular consequence: splice acceptor variant.
Genome position (GRCh38, 1-based): chr17:31,358,968, G>C. VCF-style: chr17-31358968-G-C. GRCh37 (hg19) VCF-style: chr17-29685986-G-C.
Other names: c.8051-1G>C (NM_000267.4).
Identifiers: ClinVar variation 827422 (VCV000827422.4), dbSNP rs1597868727, ClinGen allele CA399204077.